The following is an entry in ClinVar:

NM_000046.5(ARSB):c.1336+4G>T

Gene: ARSB (arylsulfatase B; minus strand). Cytogenetic location: 5q14.1.
Variant type: single nucleotide variant.
Coding change: c.1336+4G>T on transcript NM_000046.5 (MANE Select); 4 bases into the intron after coding-DNA position 1336, G replaced by T.
Molecular consequence: intron variant.
Genome position (GRCh38, 1-based): chr5:78,781,848, C>A on the plus strand (G>T on the coding strand, the complement: ARSB is on the minus strand). VCF-style: chr5-78781848-C-A. GRCh37 (hg19) VCF-style: chr5-78077671-C-A.
Identifiers: ClinVar variation 2141482 (VCV002141482.1), dbSNP rs762225092, ClinGen allele CA3318026.

ClinVar aggregate classification (germline): Uncertain significance (1 of 4 stars; one submission).

Conditions:
Mucopolysaccharidosis type 6 (MPS6). Also called: MPS 6; Maroteaux Lamy syndrome; MPS VI; N-ACETYLGALACTOSAMINE-4-SULFATASE DEFICIENCY; ARSB DEFICIENCY; ARYLSULFATASE B DEFICIENCY. Identifiers: Orphanet 583, MedGen C0026709, MONDO:0009661, OMIM 253200.

Allele frequency attached by ClinVar (database versions not stated): TOPMed below 0.00001; ExAC 0.00001; gnomAD 0.00001; gnomAD exomes 0.00001.
gnomAD v4.1: 6 of 1,613,954 alleles (0.00037%); highest among the groups gnomAD compares: Admixed American, 0.01%; no homozygotes.

Submission:

Labcorp Genetics (formerly Invitae), Labcorp
Classification: Uncertain significance for Mucopolysaccharidosis type 6. Last evaluated: 2022-01-19. Review status: criteria provided, single submitter. Criteria: Invitae Variant Classification Sherloc (09022015). Collection method: clinical testing. Allele origin: germline.
Comment: This sequence change falls in intron 7 of the ARSB gene. It does not directly change the encoded amino acid sequence of the ARSB protein. It affects a nucleotide within the consensus splice site. This variant is present in population databases (rs762225092, gnomAD 0.02%). This variant has not been reported in the literature in individuals affected with ARSB-related conditions. Variants that disrupt the consensus splice site are a relatively common cause of aberrant splicing (PMID: 17576681, 9536098). Algorithms developed to predict the effect of sequence changes on RNA splicing suggest that this variant is not likely to affect RNA splicing. In summary, the available evidence is currently insufficient to determine the role of this variant in disease. Therefore, it has been classified as a Variant of Uncertain Significance.

Literature cited by the submitters: PubMed 17576681; PubMed 9536098.